The following is an entry in ClinVar:

NM_001267550.2(TTN):c.18732A>G (p.Lys6244=)

Genes: TTN (titin; minus strand), LOC126806430 (BRD4-independent group 4 enhancer GRCh37_chr2:179593794-179594993; plus strand). Cytogenetic location: 2q31.2.
Variant type: single nucleotide variant.
Coding change: c.18732A>G on transcript NM_001267550.2 (MANE Select); coding-DNA position 18732, A replaced by G.
Protein change: p.Lys6244=; no amino-acid change (lysine 6244 retained).
Molecular consequence: synonymous variant. On other transcripts: intron variant (3).
Genome position (GRCh38, 1-based): chr2:178,729,424, T>C on the plus strand (A>G on the coding strand, the complement: TTN is on the minus strand). VCF-style: chr2-178729424-T-C. GRCh37 (hg19) VCF-style: chr2-179594151-T-C.
Other names: c.17781A>G, p.Lys5927= (NM_001256850.1); c.15000A>G, p.Lys5000= (NM_133378.4); c.13282+8658A>G (NM_003319.4); c.13858+8658A>G (NM_133437.4); c.13657+8658A>G (NM_133432.3).
Identifiers: ClinVar variation 2651690 (VCV002651690.24), dbSNP rs2529928146, ClinGen allele CA430292512.

ClinVar aggregate classification (germline): Likely benign (1 of 4 stars; one submission).

Submission:

CeGaT Center for Human Genetics Tuebingen
Classification: Likely benign. Last evaluated: 2022-08-01. Review status: criteria provided, single submitter. Criteria: CeGaT Center For Human Genetics Tuebingen Variant Classification Criteria Version 2. Collection method: clinical testing. Allele origin: germline. Affected: yes. Observed: 1 variant allele.
Comment: TTN: PM2:Supporting, BP4, BP7